The following is an entry in ClinVar:

ClinVar aggregate classification (germline): Conflicting classifications of pathogenicity. Review status: criteria provided, conflicting classifications (1 of 4 stars). 2 submissions from 2 submitters: Uncertain significance (1); Likely benign (1). Last evaluated 2025-09-26.

Conditions:
WNK1-related disorder. Also called: WNK1-related condition.
Neuropathy, hereditary sensory and autonomic, type 2A (HSAN2A). Also called: MORVAN DISEASE; NEUROPATHY, CONGENITAL SENSORY; NEUROPATHY, HEREDITARY SENSORY RADICULAR, AUTOSOMAL RECESSIVE; NEUROPATHY, HEREDITARY SENSORY, TYPE IIA; NEUROPATHY, PROGRESSIVE SENSORY, OF CHILDREN; WNK1-Related HSAN2 (HSAN2A). Identifiers: Orphanet 970, MedGen C2752089, MONDO:0024309, OMIM 201300.
Pseudohypoaldosteronism type 2C (PHA2C). Also called: Pseudohypoaldosteronism Type IIC. Identifiers: Orphanet 757, Orphanet 88940, MedGen C1840391, MONDO:0013778, OMIM 614492.

Allele frequency attached by ClinVar (database versions not stated): gnomAD 0.00007 and 0.00011; 1000 Genomes Project 30x 0.00016; 1000 Genomes Project 0.00020; gnomAD exomes 0.00025; ExAC 0.00026.
gnomAD v4.1: 178 of 1,613,748 alleles (0.011%); highest among the groups gnomAD compares: South Asian, 0.17%; 1 homozygote.

Submissions (2):

PreventionGenetics, part of Exact Sciences
Classification: Likely benign for WNK1-related condition. Last evaluated: 2025-09-26. Review status: criteria provided, single submitter. Criteria: ACMG Guidelines, 2015. Collection method: clinical testing. Allele origin: germline.
Comment: This variant is classified as likely benign based on ACMG/AMP sequence variant interpretation guidelines (Richards et al. 2015 PMID: 25741868, with internal and published modifications).

Labcorp Genetics (formerly Invitae), Labcorp
Classification: Uncertain significance for Neuropathy, hereditary sensory and autonomic, type 2A; Pseudohypoaldosteronism type 2C. Last evaluated: 2024-03-08. Review status: criteria provided, single submitter. Criteria: Invitae Variant Classification Sherloc (09022015). Collection method: clinical testing. Allele origin: germline.
Comment: This sequence change replaces serine, which is neutral and polar, with threonine, which is neutral and polar, at codon 1780 of the WNK1 protein (p.Ser1780Thr). The frequency data for this variant in the population databases is considered unreliable, as metrics indicate poor data quality at this position in the gnomAD database. This variant has not been reported in the literature in individuals affected with WNK1-related conditions. ClinVar contains an entry for this variant (Variation ID: 1374910). Advanced modeling of protein sequence and biophysical properties (such as structural, functional, and spatial information, amino acid conservation, physicochemical variation, residue mobility, and thermodynamic stability) performed at Invitae indicates that this missense variant is not expected to disrupt WNK1 protein function with a negative predictive value of 95%. In summary, the available evidence is currently insufficient to determine the role of this variant in disease. Therefore, it has been classified as a Variant of Uncertain Significance.

NM_018979.4(WNK1):c.4582T>A (p.Ser1528Thr)

Gene: WNK1 (WNK lysine deficient protein kinase 1; plus strand). Cytogenetic location: 12p13.33.
Variant type: single nucleotide variant.
Coding change: c.4582T>A on transcript NM_018979.4 (MANE Select); coding-DNA position 4582, T replaced by A.
Protein change: p.Ser1528Thr; replaces serine 1528 with threonine.
Molecular consequence: missense variant.
Genome position (GRCh38, 1-based): chr12:885,386, T>A. VCF-style: chr12-885386-T-A. GRCh37 (hg19) VCF-style: chr12-994552-T-A.
Other names: c.4582T>A (NM_018979.3); c.5362T>A, p.Ser1788Thr (NM_001184985.2); c.3841T>A, p.Ser1281Thr (NM_014823.3); c.5338T>A, p.Ser1780Thr (NM_213655.5); short protein forms S1788T, S1528T, S1281T, S1780T.
Identifiers: ClinVar variation 1374910 (VCV001374910.3), dbSNP rs530093512, ClinGen allele CA6383001.
Genomic context (GRCh38, chr12:885,386, plus strand): 5'-CAGCTTAGCAGCAGTACTTCTACTCCTACTTTAGCTGAAACCGTGGTAGTTAGCGCACAC[T>A]CACTAGATAAGACATCTCATAGCAGTACAACTGGATTGGCTTTCTCCCTCTCTGCACCAT-3'
Protein context (NP_061852.3, residues 1518-1538): LAETVVVSAH[Ser1528Thr]LDKTSHSSTT